The following is an entry in ClinVar:

ClinVar aggregate classification (germline): Uncertain significance. Review status: criteria provided, multiple submitters, no conflicts (2 of 4 stars). 2 submissions from 2 submitters: Uncertain significance (2). Last evaluated 2024-10-08.

Conditions:
Hereditary cancer-predisposing syndrome. Also called: Neoplastic Syndromes, Hereditary; Hereditary Cancer Syndrome; Tumor predisposition; Hereditary neoplastic syndrome. Identifiers: Orphanet 140162, MedGen C0027672, MeSH D009386, MONDO:0015356.

Allele frequency attached by ClinVar (database versions not stated): gnomAD exomes below 0.00001.

Submissions (2):

Labcorp Genetics (formerly Invitae), Labcorp
Classification: Uncertain significance for Hereditary cancer-predisposing syndrome. Last evaluated: 2024-10-08. Review status: criteria provided, single submitter. Criteria: Invitae Variant Classification Sherloc (09022015). Collection method: clinical testing. Allele origin: germline.
Comment: This sequence change replaces methionine, which is neutral and non-polar, with valine, which is neutral and non-polar, at codon 1048 of the RAD50 protein (p.Met1048Val). This variant is not present in population databases (gnomAD no frequency). This variant has not been reported in the literature in individuals affected with RAD50-related conditions. ClinVar contains an entry for this variant (Variation ID: 971556). Invitae Evidence Modeling of protein sequence and biophysical properties (such as structural, functional, and spatial information, amino acid conservation, physicochemical variation, residue mobility, and thermodynamic stability) indicates that this missense variant is not expected to disrupt RAD50 protein function with a negative predictive value of 80%. In summary, the available evidence is currently insufficient to determine the role of this variant in disease. Therefore, it has been classified as a Variant of Uncertain Significance.

Ambry Genetics
Classification: Uncertain significance for Hereditary cancer-predisposing syndrome. Last evaluated: 2024-02-05. Review status: criteria provided, single submitter. Criteria: Ambry Variant Classification Scheme 2023. Collection method: clinical testing. Allele origin: germline.
Comment: The p.M1048V variant (also known as c.3142A>G), located in coding exon 20 of the RAD50 gene, results from an A to G substitution at nucleotide position 3142. The methionine at codon 1048 is replaced by valine, an amino acid with highly similar properties. This amino acid position is conserved. In addition, the in silico prediction for this alteration is inconclusive. Based on the available evidence, the clinical significance of this alteration remains unclear.

NM_005732.4(RAD50):c.3142A>G (p.Met1048Val)

Gene: RAD50 (RAD50 double strand break repair protein; plus strand). Cytogenetic location: 5q31.1.
Variant type: single nucleotide variant.
Coding change: c.3142A>G on transcript NM_005732.4 (MANE Select); coding-DNA position 3142, A replaced by G.
Protein change: p.Met1048Val; replaces methionine 1048 with valine.
Molecular consequence: missense variant.
Genome position (GRCh38, 1-based): chr5:132,616,108, A>G. VCF-style: chr5-132616108-A-G. GRCh37 (hg19) VCF-style: chr5-131951800-A-G.
Other names: short protein forms M1048V.
Identifiers: ClinVar variation 971556 (VCV000971556.11), dbSNP rs1751170663, ClinGen allele CA360963864.